The following is an entry in ClinVar:

ClinVar aggregate classification (germline): Likely benign (1 of 4 stars; one submission).

Allele frequency attached by ClinVar (database versions not stated): 1000 Genomes Project 0.00220; ESP Exome Variant Server 0.00263; 1000 Genomes Project 30x 0.00281; ExAC 0.00311; gnomAD 0.00364; TOPMed 0.00390; gnomAD exomes 0.00534.
gnomAD v4.1: 8,017 of 1,551,406 alleles (0.52%); highest among the groups gnomAD compares: Non-Finnish European, 0.61%; 39 homozygotes.

Submissions (4):

CeGaT Center for Human Genetics Tuebingen
Classification: Likely benign. Last evaluated: 2024-02-01. Review status: criteria provided, single submitter. Criteria: CeGaT Center For Human Genetics Tuebingen Variant Classification Criteria Version 2. Collection method: clinical testing. Allele origin: germline. Affected: yes. Observed: 2 variant alleles.
Comment: C16orf96: PP3, BS2

Dr. Peter K. Rogan Lab, Western University
No classification provided (evidence only). Condition: Familial cancer of breast. Review status: no classification provided. Collection method: in vitro. Allele origin: not applicable. Functional consequence: retained intron. Not counted in ClinVar's aggregate classification.

Dr. Peter K. Rogan Lab, Western University
No classification provided (evidence only). Condition: Acute myeloid leukemia. Review status: no classification provided. Collection method: in vitro. Allele origin: not applicable. Functional consequence: retained intron. Not counted in ClinVar's aggregate classification.

Dr. Peter K. Rogan Lab, Western University
No classification provided (evidence only). Condition: Sarcoma. Review status: no classification provided. Collection method: in vitro. Allele origin: not applicable. Functional consequence: retained intron. Not counted in ClinVar's aggregate classification.

NM_001145011.2(C16orf96):c.2998G>A (p.Gly1000Arg)

Gene: C16orf96 (chromosome 16 open reading frame 96; plus strand). Cytogenetic location: 16p13.3.
Variant type: single nucleotide variant.
Coding change: c.2998G>A on transcript NM_001145011.2 (MANE Select); coding-DNA position 2998, G replaced by A.
Protein change: p.Gly1000Arg; replaces glycine 1000 with arginine.
Molecular consequence: missense variant.
Genome position (GRCh38, 1-based): chr16:4,594,481, G>A. VCF-style: chr16-4594481-G-A. GRCh37 (hg19) VCF-style: chr16-4644482-G-A.
Other names: NC_000016.9:g.4644482G>A; c.2998G>A, p.Gly1000Arg (NM_001387219.1); short protein forms G1000R.
Identifiers: ClinVar variation 2646153 (VCV002646153.25), dbSNP rs142136567, ClinGen allele CA7877505.